The following is an entry in ClinVar:

NM_001164508.2(NEB):c.24050_24100dup (p.Gln8033_Glu8034insGlyIleProIleProIleThrProGluMetGluArgValLysHisAsnGln)

Genes: NEB (nebulin; minus strand), RIF1 (replication timing regulatory factor 1; plus strand). Cytogenetic location: 2q23.3.
Variant type: Duplication.
Coding change: c.24050_24100dup on transcript NM_001164508.2 (MANE Select); coding-DNA positions 24050 to 24100, 51 bases duplicated.
Protein change: p.Gln8033_Glu8034insGlyIleProIleProIleThrProGluMetGluArgValLysHisAsnGln.
Molecular consequence: inframe indel (on NM_001271208.1). On other transcripts: intron variant (1).
Genome position (GRCh38, 1-based): chr2:151,499,312-151,499,362, 51 bases duplicated. GRCh37 (hg19): chr2:152,355,829-152,355,879.
Other names: c.24155_24205dup (NM_001271208.1); c.24050_24100dup, p.Gln8033_Glu8034insGlyIleProIleProIleThrProGluMetGluArgValLysHisAsnGln (NM_001164507.2); c.24155_24205dup, p.Gln8068_Glu8069insGlyIleProIleProIleThrProGluMetGluArgValLysHisAsnGln (NM_001271208.2); c.18826-2994_18826-2944dup (NM_004543.5).
Identifiers: ClinVar variation 4058467 (VCV004058467.2).

ClinVar aggregate classification (germline): Uncertain significance. Review status: criteria provided, single submitter (1 of 4 stars). 2 submissions from 2 submitters: Uncertain significance (1). 1 of the submissions does not count toward it. Last evaluated 2025-07-22.

Conditions:
Nemaline myopathy 2 (NEM2). Also called: Nemaline myopathy 2, autosomal recessive. Identifiers: MedGen C1850569, MONDO:0009725, OMIM 256030.

Submissions (2):

Myriad Genetics, Inc.
Classification: Uncertain significance for Nemaline myopathy 2. Last evaluated: 2025-07-22. Review status: criteria provided, single submitter. Criteria: Myriad Autosomal Dominant, Autosomal Recessive and X-Linked Classification Criteria (2023). Collection method: clinical testing. Allele origin: unknown.
Comment: NM_001271208.1(NEB):c.24155_24205dup51(G8052_Q8068dup) is an in-frame insertion classified as a variant of uncertain significance in the context of NEB-related nemaline myopathy. G8052_Q8068dup has not been observed in cases with relevant disease. Relevant functional assessments of this variant are not available in the literature. G8052_Q8068dup has not been observed in referenced population frequency databases. In summary, there is insufficient evidence to classify NM_001271208.1(NEB):c.24155_24205dup51(G8052_Q8068dup) as pathogenic or benign. Please note: this variant was assessed in the context of healthy population screening.

Natera, Inc.
Classification: Uncertain significance for Nemaline myopathy type 2. Last evaluated: 2025-05-02. Review status: no assertion criteria provided. Collection method: clinical testing. Allele origin: germline. Not counted in ClinVar's aggregate classification.